The following is an entry in ClinVar:

ClinVar aggregate classification (germline): Benign/Likely benign. Review status: criteria provided, multiple submitters, no conflicts (2 of 4 stars). 2 submissions from 2 submitters: Benign (1); Likely benign (1). Last evaluated 2026-06-29.

Conditions:
Sessile serrated polyposis cancer syndrome (SSPCS). Identifiers: Orphanet 157798, MedGen C4310714, MONDO:0014919, OMIM 617108.

gnomAD v4.1: 4 of 1,611,912 alleles (0.00025%); highest among the groups gnomAD compares: South Asian, 0.0011%; no homozygotes.

Submissions (2):

Myriad Genetics, Inc.
Classification: Benign for Sessile serrated polyposis cancer syndrome. Last evaluated: 2026-06-29. Review status: criteria provided, single submitter. Criteria: Myriad Autosomal Dominant, Autosomal Recessive and X-Linked Classification Criteria (2023). Collection method: clinical testing. Allele origin: unknown.
Comment: This variant is considered benign. This variant is a silent/synonymous amino acid change and it is not expected to impact splicing.

Ambry Genetics
Classification: Likely benign. Last evaluated: 2024-12-23. Review status: criteria provided, single submitter. Criteria: Ambry Variant Classification Scheme 2023. Collection method: clinical testing. Allele origin: germline.

NM_017763.6(RNF43):c.318C>T (p.Ile106=)

Gene: RNF43 (ring finger protein 43; minus strand). Cytogenetic location: 17q22.
Variant type: single nucleotide variant.
Coding change: c.318C>T on transcript NM_017763.6 (MANE Select); coding-DNA position 318, C replaced by T.
Protein change: p.Ile106=; no amino-acid change (isoleucine 106 retained).
Molecular consequence: synonymous variant.
Genome position (GRCh38, 1-based): chr17:58,370,968, G>A on the plus strand (C>T on the coding strand, the complement: RNF43 is on the minus strand). VCF-style: chr17-58370968-G-A. GRCh37 (hg19) VCF-style: chr17-56448329-G-A.
Other names: c.318C>T, p.Ile106= (NM_001305544.3); c.-64C>T (NM_001305545.2).
Identifiers: ClinVar variation 3789866 (VCV003789866.2).